The following is an entry in ClinVar:

NC_000015.10:g.26775259A>T

Gene: GABRB3 (gamma-aminobutyric acid type A receptor subunit beta3; minus strand). Cytogenetic location: 15q12.
Variant type: single nucleotide variant.
Genome position: GRCh38 VCF-style: chr15-26775259-A-T. GRCh37 (hg19) VCF-style: chr15-27020406-A-T.
Identifiers: ClinVar variation 3036454 (VCV003036454.2), dbSNP rs1447878558, ClinGen allele CA2740097236.

ClinVar aggregate classification (germline): Likely benign (0 of 4 stars; one submission).

Conditions:
GABRB3-related disorder. Also called: GABRB3-related condition.

Submission:

PreventionGenetics, part of Exact Sciences
Classification: Likely benign for GABRB3-related condition. Last evaluated: 2023-09-05. Review status: no assertion criteria provided. Collection method: clinical testing. Allele origin: germline.
Comment: This variant is classified as likely benign based on ACMG/AMP sequence variant interpretation guidelines (Richards et al. 2015 PMID: 25741868, with internal and published modifications).